The following is an entry in ClinVar:

NM_000152.5(GAA):c.2840T>G (p.Phe947Cys)

Gene: GAA (alpha glucosidase; plus strand). Cytogenetic location: 17q25.3.
Variant type: single nucleotide variant.
Coding change: c.2840T>G on transcript NM_000152.5 (MANE Select); coding-DNA position 2840, T replaced by G.
Protein change: p.Phe947Cys; replaces phenylalanine 947 with cysteine.
Molecular consequence: missense variant.
Genome position (GRCh38, 1-based): chr17:80,119,312, T>G. VCF-style: chr17-80119312-T-G. GRCh37 (hg19) VCF-style: chr17-78093111-T-G.
Other names: c.2840T>G, p.Phe947Cys (NM_001079803.3, NM_001079804.3, NM_001406741.1 and 1 more transcripts); short protein forms F947C.
Identifiers: ClinVar variation 3518094 (VCV003518094.1).

ClinVar aggregate classification (germline): Uncertain significance (1 of 4 stars; one submission).

Conditions:
Cardiovascular phenotype. Identifiers: MedGen CN230736.

Submission:

Ambry Genetics
Classification: Uncertain significance for Cardiovascular phenotype. Last evaluated: 2024-07-28. Review status: criteria provided, single submitter. Criteria: Ambry Variant Classification Scheme 2023. Collection method: clinical testing. Allele origin: germline.
Comment: The p.F947C variant (also known as c.2840T>G), located in coding exon 19 of the GAA gene, results from a T to G substitution at nucleotide position 2840. The phenylalanine at codon 947 is replaced by cysteine, an amino acid with highly dissimilar properties. This amino acid position is conserved. In addition, this alteration is predicted to be deleterious by in silico analysis. Based on the available evidence, the clinical significance of this variant remains unclear.